The following is an entry in ClinVar:

NM_000466.3(PEX1):c.1981C>T (p.Leu661=)

Gene: PEX1 (peroxisomal biogenesis factor 1; minus strand). Cytogenetic location: 7q21.2.
Variant type: single nucleotide variant.
Coding change: c.1981C>T on transcript NM_000466.3 (MANE Select); coding-DNA position 1981, C replaced by T.
Protein change: p.Leu661=; no amino-acid change (leucine 661 retained).
Molecular consequence: synonymous variant. On other transcripts: intron variant (1).
Genome position (GRCh38, 1-based): chr7:92,504,822, G>A on the plus strand (C>T on the coding strand, the complement: PEX1 is on the minus strand). VCF-style: chr7-92504822-G-A. GRCh37 (hg19) VCF-style: chr7-92134136-G-A.
Other names: c.1357C>T, p.Leu453= (NM_001282678.2); c.1900+1426C>T (NM_001282677.2); c.1981C>T (NM_000466.2).
Identifiers: ClinVar variation 1151263 (VCV001151263.12), dbSNP rs1480419846, ClinGen allele CA456483351.
Genomic context (GRCh38, chr7:92,504,822, plus strand): 5'-CAGGACTGTGCTCATGTTCCGGGACAGCAGGCAGTCCAGCAATGAGGTCAAGGTCATCCA[G>A]CAGGACAACAGATGGCTGCATCCACACTGCCTCTGAGAAAGCCACCTCTAGGGTTTTTTG-3'
Protein context (NP_000457.1, residues 651-671): AVWMQPSVVL[Leu661=]DDLDLIAGLP

ClinVar aggregate classification (germline): Likely benign. Review status: criteria provided, multiple submitters, no conflicts (2 of 4 stars). 3 submissions from 3 submitters: Likely benign (2). 1 of the submissions does not count toward it. Last evaluated 2024-01-29.

Conditions:
PEX1-related disorder. Also called: PEX1-related condition.
Zellweger spectrum disorders (ZS). Also called: Zellweger Spectrum Disorder; Zellweger Spectrum; Zellweger syndrome; Zellweger Spectrum Disorder (ZSD). Identifiers: Orphanet 912, MedGen C0043459, MONDO:0019609.

Allele frequency attached by ClinVar (database versions not stated): gnomAD exomes below 0.00001 and 0.00001; gnomAD 0.00001; TOPMed 0.00007.

Submissions (3):

Labcorp Genetics (formerly Invitae), Labcorp
Classification: Likely benign for Zellweger spectrum disorders. Last evaluated: 2024-01-29. Review status: criteria provided, single submitter. Criteria: Invitae Variant Classification Sherloc (09022015). Collection method: clinical testing. Allele origin: germline.

Blueprint Genetics
Classification: Likely benign. Last evaluated: 2021-10-21. Review status: criteria provided, single submitter. Criteria: ACMG Guidelines, 2015. Collection method: clinical testing. Allele origin: germline.

PreventionGenetics, part of Exact Sciences
Classification: Likely benign for PEX1-related condition. Last evaluated: 2020-01-03. Review status: no assertion criteria provided. Collection method: clinical testing. Allele origin: germline. Not counted in ClinVar's aggregate classification.
Comment: This variant is classified as likely benign based on ACMG/AMP sequence variant interpretation guidelines (Richards et al. 2015 PMID: 25741868, with internal and published modifications).